The following is an entry in ClinVar:

NM_006015.6(ARID1A):c.856A>C (p.Thr286Pro)

Genes: ARID1A (AT-rich interaction domain 1A; plus strand), LOC129929837 (ATAC-STARR-seq lymphoblastoid silent region 489; plus strand). Cytogenetic location: 1p36.11.
Variant type: single nucleotide variant.
Coding change: c.856A>C on transcript NM_006015.6 (MANE Select); coding-DNA position 856, A replaced by C.
Protein change: p.Thr286Pro; replaces threonine 286 with proline.
Molecular consequence: missense variant.
Genome position (GRCh38, 1-based): chr1:26,697,259, A>C. VCF-style: chr1-26697259-A-C. GRCh37 (hg19) VCF-style: chr1-27023750-A-C.
Other names: c.856A>C, p.Thr286Pro (NM_139135.4); short protein forms T286P.
Identifiers: ClinVar variation 4072727 (VCV004072727.1).
Genomic context (GRCh38, chr1:26,697,259, plus strand): 5'-TTCGCTCAGCAGCGCTTCGGGGCCATGGGGGGAGGCGGCCCCTCCGCGGCCGGCGGGGGA[A>C]CTCCCCAGCCCACCGCCACCCCCACCCTCAACCAACTGCTCACGTCGCCCAGCTCGGCCC-3'
Protein context (NP_006006.3, residues 276-296): GGGPSAAGGG[Thr286Pro]PQPTATPTLN

ClinVar aggregate classification (germline): Uncertain significance (1 of 4 stars; one submission).

gnomAD v4.1: 1 of 1,369,104 alleles (0.000073%); highest among the groups gnomAD compares: Non-Finnish European, 0.000094%; no homozygotes.

Submission:

GeneDx
Classification: Uncertain significance. Last evaluated: 2025-02-02. Review status: criteria provided, single submitter. Criteria: GeneDx Variant Classification Process June 2021. Collection method: clinical testing. Allele origin: germline. Affected: yes.
Comment: Not observed at significant frequency in large population cohorts (gnomAD); In silico analysis indicates that this missense variant does not alter protein structure/function; Has not been previously published as pathogenic or benign to our knowledge